The following is an entry in ClinVar:

NM_001005498.4(RHBDF2):c.1004G>A (p.Arg335Gln)

Gene: RHBDF2 (rhomboid 5 homolog 2; minus strand). Cytogenetic location: 17q25.1.
Variant type: single nucleotide variant.
Coding change: c.1004G>A on transcript NM_001005498.4 (MANE Select); coding-DNA position 1004, G replaced by A.
Protein change: p.Arg335Gln; replaces arginine 335 with glutamine.
Molecular consequence: missense variant. On other transcripts: non-coding transcript variant (3).
Genome position (GRCh38, 1-based): chr17:76,476,941, C>T on the plus strand (G>A on the coding strand, the complement: RHBDF2 is on the minus strand). VCF-style: chr17-76476941-C-T. GRCh37 (hg19) VCF-style: chr17-74473023-C-T.
Other names: c.1004G>A, p.Arg335Gln (NM_001376228.1, NM_001376229.1, NM_001376230.1); c.1091G>A, p.Arg364Gln (NM_024599.5); short protein forms R364Q, R335Q.
Identifiers: ClinVar variation 325444 (VCV000325444.13), dbSNP rs146134173, ClinGen allele CA8787148.

ClinVar aggregate classification (germline): Conflicting classifications of pathogenicity. Review status: criteria provided, conflicting classifications (1 of 4 stars). 3 submissions from 3 submitters: Uncertain significance (1); Benign (1); Likely benign (1). Last evaluated 2026-04-01.

Conditions:
Palmoplantar keratoderma-esophageal carcinoma syndrome (TOC). Also called: Tylosis with Esophageal Cancer; KERATOSIS PALMARIS ET PLANTARIS WITH ESOPHAGEAL CANCER; PALMOPLANTAR KERATODERMA WITH ESOPHAGEAL CANCER. Identifiers: Orphanet 2198, MedGen C1835664, MONDO:0007856, OMIM 148500.

Allele frequency attached by ClinVar (database versions not stated): 1000 Genomes Project 30x 0.00016; ExAC 0.00018; TOPMed 0.00018; gnomAD 0.00019 and 0.00020; 1000 Genomes Project 0.00020; gnomAD exomes 0.00022 and 0.00034; ESP Exome Variant Server 0.00031.
gnomAD v4.1: 528 of 1,613,970 alleles (0.033%); highest among the groups gnomAD compares: Non-Finnish European, 0.036%; 1 homozygote.

Submissions (3):

CeGaT Center for Human Genetics Tuebingen
Classification: Likely benign. Last evaluated: 2026-04-01. Review status: criteria provided, single submitter. Criteria: CeGaT Center For Human Genetics Tuebingen Variant Classification Criteria Version 2. Collection method: clinical testing. Allele origin: germline. Affected: yes. Observed: 1 variant allele.
Comment: RHBDF2: PP3, BS2

Labcorp Genetics (formerly Invitae), Labcorp
Classification: Uncertain significance. Last evaluated: 2025-08-26. Review status: criteria provided, single submitter. Criteria: Invitae Variant Classification Sherloc (09022015). Collection method: clinical testing. Allele origin: germline.
Comment: This sequence change replaces arginine, which is basic and polar, with glutamine, which is neutral and polar, at codon 364 of the RHBDF2 protein (p.Arg364Gln). This variant is present in population databases (rs146134173, gnomAD 0.07%), and has an allele count higher than expected for a pathogenic variant. This variant has not been reported in the literature in individuals affected with RHBDF2-related conditions. ClinVar contains an entry for this variant (Variation ID: 325444). An algorithm developed to predict the effect of missense changes on protein structure and function (PolyPhen-2) suggests that this variant is likely to be tolerated. In summary, the available evidence is currently insufficient to determine the role of this variant in disease. Therefore, it has been classified as a Variant of Uncertain Significance.

Illumina Laboratory Services, Illumina
Classification: Benign for Palmoplantar keratoderma-esophageal carcinoma syndrome. Last evaluated: 2018-01-13. Review status: criteria provided, single submitter. Criteria: ICSL Variant Classification Criteria 13 December 2019. Collection method: clinical testing. Allele origin: germline.
Comment: This variant was observed in the ICSL laboratory as part of a predisposition screen in an ostensibly healthy population. It had not been previously curated by ICSL or reported in the Human Gene Mutation Database (HGMD: prior to June 1st, 2018), and was therefore a candidate for classification through an automated scoring system. Utilizing variant allele frequency, disease prevalence and penetrance estimates, and inheritance mode, an automated score was calculated to assess if this variant is too frequent to cause the disease. Based on the score and internal cut-off values, a variant classified as benign is not then subjected to further curation. The score for this variant resulted in a classification of benign for this disease.